The following is an entry in ClinVar:

ClinVar aggregate classification (germline): Likely benign. Review status: criteria provided, multiple submitters, no conflicts (2 of 4 stars). 2 submissions from 2 submitters: Likely benign (2). Last evaluated 2024-07-24.

Allele frequency attached by ClinVar (database versions not stated): gnomAD 0.00001; gnomAD exomes 0.00001; TOPMed 0.00001; ExAC 0.00002; 1000 Genomes Project 30x 0.00031; 1000 Genomes Project 0.00040.
gnomAD v4.1: 15 of 1,557,368 alleles (0.00096%); highest among the groups gnomAD compares: Middle Eastern, 0.034%; no homozygotes.

Submissions (2):

Labcorp Genetics (formerly Invitae), Labcorp
Classification: Likely benign. Last evaluated: 2024-07-24. Review status: criteria provided, single submitter. Criteria: Invitae Variant Classification Sherloc (09022015). Collection method: clinical testing. Allele origin: germline.

Laboratory for Molecular Medicine, Mass General Brigham Personalized Medicine
Classification: Likely benign. Last evaluated: 2017-08-23. Review status: criteria provided, single submitter. Criteria: LMM Criteria. Collection method: clinical testing. Allele origin: germline. Observed: 1 variant allele.
Comment: p.Tyr236Tyr in exon 7 of KITLG: This variant is not expected to have clinical significance because it does not alter an amino acid residue and is not located within the splice consensus sequence. It has been identified in 0.02% (2/10118) of African chromosomes by the Exome Aggregation Consortium (ExAC; dbSNP rs200147285).

NM_000899.5(KITLG):c.708C>T (p.Tyr236=)

Gene: KITLG (KIT ligand; minus strand). Cytogenetic location: 12q21.32.
Variant type: single nucleotide variant.
Coding change: c.708C>T on transcript NM_000899.5 (MANE Select); coding-DNA position 708, C replaced by T.
Protein change: p.Tyr236=; no amino-acid change (tyrosine 236 retained).
Molecular consequence: synonymous variant.
Genome position (GRCh38, 1-based): chr12:88,507,034, G>A on the plus strand (C>T on the coding strand, the complement: KITLG is on the minus strand). VCF-style: chr12-88507034-G-A. GRCh37 (hg19) VCF-style: chr12-88900811-G-A.
Other names: c.624C>T, p.Tyr208= (NM_003994.6).
Identifiers: ClinVar variation 929966 (VCV000929966.7), dbSNP rs200147285, ClinGen allele CA6713623.